The following is an entry in ClinVar:

NM_006502.3(POLH):c.764+1G>C

Gene: POLH (DNA polymerase eta; plus strand). Cytogenetic location: 6p21.1.
Variant type: single nucleotide variant.
Coding change: c.764+1G>C on transcript NM_006502.3 (MANE Select); the canonical splice donor site of the intron after coding-DNA position 764, G replaced by C.
Molecular consequence: splice donor variant.
Genome position (GRCh38, 1-based): chr6:43,601,092, G>C. VCF-style: chr6-43601092-G-C. GRCh37 (hg19) VCF-style: chr6-43568829-G-C.
Other names: c.764+1G>C (NM_001291970.2); c.392+1G>C (NM_001291969.2).
Identifiers: ClinVar variation 2734869 (VCV002734869.3), dbSNP rs772570523, ClinGen allele CA364257239.

ClinVar aggregate classification (germline): Pathogenic (1 of 4 stars; one submission).

Submission:

Labcorp Genetics (formerly Invitae), Labcorp
Classification: Pathogenic. Last evaluated: 2024-04-17. Review status: criteria provided, single submitter. Criteria: Invitae Variant Classification Sherloc (09022015). Collection method: clinical testing. Allele origin: germline.
Comment: This sequence change affects a donor splice site in intron 6 of the POLH gene. It is expected to disrupt RNA splicing. Variants that disrupt the donor or acceptor splice site typically lead to a loss of protein function (PMID: 16199547), and loss-of-function variants in POLH are known to be pathogenic (PMID: 11773631, 24130121, 25256075). This variant is not present in population databases (gnomAD no frequency). Disruption of this splice site has been observed in individuals with xeroderma pigmentosum (PMID: 18368133, 27004399, 27664908). It has also been observed to segregate with disease in related individuals. Algorithms developed to predict the effect of sequence changes on RNA splicing suggest that this variant may disrupt the consensus splice site. For these reasons, this variant has been classified as Pathogenic.

Literature cited by the submitters: PubMed 16199547; PubMed 11773631; PubMed 24130121; PubMed 25256075; PubMed 18368133; PubMed 27004399; PubMed 27664908.